The following is an entry in ClinVar:

ClinVar aggregate classification (germline): Uncertain significance (1 of 4 stars; one submission).

Submission:

GeneDx
Classification: Uncertain significance. Last evaluated: 2020-02-21. Review status: criteria provided, single submitter. Criteria: GeneDx Variant Classification Process June 2021. Collection method: clinical testing. Allele origin: germline. Affected: yes.
Comment: Not observed in large population cohorts (Lek et al., 2016); In silico analysis supports that this missense variant has a deleterious effect on protein structure/function; Has not been previously published as pathogenic or benign to our knowledge

NM_001080449.3(DNA2):c.674T>G (p.Met225Arg)

Gene: DNA2 (DNA replication helicase/nuclease 2; minus strand). Cytogenetic location: 10q21.3.
Variant type: single nucleotide variant.
Coding change: c.674T>G on transcript NM_001080449.3 (MANE Select); coding-DNA position 674, T replaced by G.
Protein change: p.Met225Arg; replaces methionine 225 with arginine.
Molecular consequence: missense variant. On other transcripts: non-coding transcript variant (1).
Genome position (GRCh38, 1-based): chr10:68,459,149, A>C on the plus strand (T>G on the coding strand, the complement: DNA2 is on the minus strand). VCF-style: chr10-68459149-A-C. GRCh37 (hg19) VCF-style: chr10-70218906-A-C.
Other names: short protein forms M225R.
Identifiers: ClinVar variation 1313326 (VCV001313326.2), dbSNP rs1012375805, ClinGen allele CA376864771.